The following is an entry in ClinVar:

NM_000363.5(TNNI3):c.596G>A (p.Ser199Asn)

Gene: TNNI3 (troponin I3, cardiac type; minus strand). Cytogenetic location: 19q13.42.
Variant type: single nucleotide variant.
Coding change: c.596G>A on transcript NM_000363.5 (MANE Select); coding-DNA position 596, G replaced by A.
Protein change: p.Ser199Asn; replaces serine 199 with asparagine.
Molecular consequence: missense variant.
Genome position (GRCh38, 1-based): chr19:55,151,871, C>T on the plus strand (G>A on the coding strand, the complement: TNNI3 is on the minus strand). VCF-style: chr19-55151871-C-T. GRCh37 (hg19) VCF-style: chr19-55663239-C-T.
Other names: short protein forms S199N.
Identifiers: ClinVar variation 181603 (VCV000181603.15), dbSNP rs730881091, ClinGen allele CA022024.
Genomic context (GRCh38, chr19:55,151,871, plus strand): 5'-GCAGGGGCAGTAGGCAGGAAGGCTCAGCTCTCAAACTTTTTCTTGCGGCCCTCCATTCCA[C>T]TCAGTGCATCGATGTTCTTGCGCCAGTCTCCCACCTCCCGGTTTTCCTGGAGGATGGCGA-3'
Protein context (NP_000354.4, residues 189-209): GDWRKNIDAL[Ser199Asn]GMEGRKKKFE

ClinVar aggregate classification (germline): Pathogenic/Likely pathogenic. Review status: criteria provided, multiple submitters, no conflicts (2 of 4 stars). 7 submissions from 7 submitters: Pathogenic (3); Likely pathogenic (3). 1 of the submissions does not count toward it. Last evaluated 2026-04-06.

Conditions:
Cardiovascular phenotype. Identifiers: MedGen CN230736.
TNNI3-related disorder. Also called: TNNI3-related disorders; TNNI3-related condition.
Cardiomyopathy (CMYO). Also called: Cardiomyopathies. Identifiers: Orphanet 167848, MedGen C0878544, MONDO:0004994, HP:0001638. Inheritance: Various modes of inheritance.
Hypertrophic cardiomyopathy 7. Also called: TNNI3-Related Familial Hypertrophic Cardiomyopathy; Familial hypertrophic cardiomyopathy 7; CARDIOMYOPATHY, FAMILIAL HYPERTROPHIC, 7, MODIFIER OF. Identifiers: MedGen C1860752, MONDO:0013369, OMIM 613690.
Hypertrophic cardiomyopathy. Also called: HYPERTROPHIC MYOCARDIOPATHY. Identifiers: Orphanet 217569, MedGen C0007194, MeSH D002312, MONDO:0005045, HP:0001639.

Allele frequency attached by ClinVar (database versions not stated): gnomAD exomes below 0.00001; TOPMed below 0.00001.
gnomAD v4.1: 1 of 1,614,192 alleles (0.000062%); highest among the groups gnomAD compares: Non-Finnish European, 0.000085%; no homozygotes.

Submissions (7):

Women's Health and Genetics/Laboratory Corporation of America, LabCorp
Classification: Pathogenic for Cardiomyopathy. Last evaluated: 2026-04-06. Review status: criteria provided, single submitter. Criteria: LabCorp Variant Classification Summary - May 2015. Collection method: clinical testing. Allele origin: germline.
Comment: Variant summary: TNNI3 c.596G>A (p.Ser199Asn) results in a conservative amino acid change in the encoded protein sequence. Algorithms developed to predict the effect of missense changes on protein structure and function are either unavailable or do not agree on the potential impact of this missense change. The variant was absent in 249572 control chromosomes. c.596G>A has been observed in multiple individuals affected with Cardiomyopathy (examples, Mogensen_2004). These data indicate that the variant is very likely to be associated with disease. A different variant affecting the same codon has been classified as likely pathogenic by our lab (c.595A>G, p.Ser199Gly), supporting the critical relevance of codon 199 to TNNI3 protein function. To our knowledge, no experimental evidence demonstrating an impact on protein function has been reported. The following publication has been ascertained in the context of this evaluation (PMID: 15607392). ClinVar contains an entry for this variant (Variation ID: 181603). Based on the evidence outlined above, the variant was classified as pathogenic.

Labcorp Genetics (formerly Invitae), Labcorp
Classification: Pathogenic for Hypertrophic cardiomyopathy. Last evaluated: 2025-08-18. Review status: criteria provided, single submitter. Criteria: Invitae Variant Classification Sherloc (09022015). Collection method: clinical testing. Allele origin: germline.
Comment: This sequence change replaces serine, which is neutral and polar, with asparagine, which is neutral and polar, at codon 199 of the TNNI3 protein (p.Ser199Asn). This variant is not present in population databases (gnomAD no frequency). This missense change has been observed in individuals with autosomal dominant hypertrophic cardiomyopathy (PMID: 15607392, 16335287, 19035361, 27532257). It has also been observed to segregate with disease in related individuals. ClinVar contains an entry for this variant (Variation ID: 181603). An algorithm developed to predict the effect of missense changes on protein structure and function (PolyPhen-2) suggests that this variant is likely to be disruptive. This variant disrupts the p.Ser199 amino acid residue in TNNI3. Other variant(s) that disrupt this residue have been observed in individuals with TNNI3-related conditions (PMID: 15607392), which suggests that this may be a clinically significant amino acid residue. For these reasons, this variant has been classified as Pathogenic.

Blueprint Genetics
Classification: Likely pathogenic for TNNI3-related disorders. Last evaluated: 2024-08-26. Review status: criteria provided, single submitter. Criteria: ACMG Guidelines, 2015. Collection method: clinical testing. Allele origin: germline. Affected: yes. Observed: 1 variant allele.

Ambry Genetics
Classification: Likely pathogenic for Cardiovascular phenotype. Last evaluated: 2024-05-15. Review status: criteria provided, single submitter. Criteria: Ambry Variant Classification Scheme 2023. Collection method: clinical testing. Allele origin: germline.
Comment: The p.S199N variant (also known as c.596G>A), located in coding exon 8 of the TNNI3 gene, results from a G to A substitution at nucleotide position 596. The serine at codon 199 is replaced by asparagine, an amino acid with highly similar properties. This alteration has been reported in subjects with hypertrophic cardiomyopathy (HCM) and has been shown to segregate with disease (Mogensen J et al. J. Am. Coll. Cardiol., 2004 Dec;44:2315-25; Brito D et al. Rev Port Cardiol, 2005 Sep;24:1137-46; Andersen PS et al. Hum. Mutat., 2009 Mar;30:363-70; Walsh R et al. Genet. Med., 2017 02;19:192-203). This variant was not reported in population-based cohorts in the Genome Aggregation Database (gnomAD). This amino acid position is well conserved in available vertebrate species. In addition, the in silico prediction for this alteration is inconclusive. Based on the majority of available evidence to date, this variant is likely to be pathogenic.

Victorian Clinical Genetics Services, Murdoch Childrens Research Institute
Classification: Pathogenic for Hypertrophic cardiomyopathy 7. Last evaluated: 2023-07-16. Review status: criteria provided, single submitter. Criteria: ACMG Guidelines, 2015. Collection method: clinical testing. Allele origin: germline. Inheritance: Autosomal dominant inheritance. Affected: yes.
Comment: Based on the classification scheme VCGS_Germline_v1.3.4, this variant is classified as Pathogenic. Following criteria are met: 0103 - Gain of function and loss of function are reported mechanisms of disease in this gene. The former is associated with familial restrictive cardiomyopathy 1 (MIM#115210) and hypertrophic cardiomyopathy 7 (MIM#613690), while the latter is associated with dilated cardiomyopathy 1FF (MIM#613286) (PMIDs: 19914256, 21533915). (I) 0108 - This gene is associated with both recessive and dominant disease. The recessive form of inheritance is the exception and has only been reported in a small number of families (PMIDs: 15070570, 23270746). (I) 0112 - The condition associated with this gene has incomplete penetrance (PMIDs: 15607392, 32731933). (I) 0115 - Variants in this gene are known to have variable expressivity (PMID: 23270746). (I) 0200 - Variant is predicted to result in a missense amino acid change from serine to asparagine. (I) 0251 - This variant is heterozygous. (I) 0301 - Variant is absent from gnomAD (both v2 and v3). (SP) 0502 - Missense variant with conflicting in silico predictions and high conservation. (I) 0602 - Variant is located in a hotspot region or cluster of pathogenic variants. It is located within the HCM cluster region (PMID: 30696458). (SP) 0704 - Another missense variant comparable to the one identified in this case has limited previous evidence for pathogenicity. p.(Ser199Gly) has been reported in an individual with HCM (PMID: 15607392). p.(Ser199Arg) and p.(Ser199Cys) have been reported in affected individuals (PMID: 28356264 and ClinVar, personal communication), however these are major amino acid changes and therefore not considered as comparable variants. (SP) 0801 - This variant has strong previous evidence of pathogenicity in unrelated individuals. It has been reported in at least six unrelated individuals with HCM, and as likely pathogenic/pathogenic (cardiodb, ClinVar and PMIDs: 22857948, 15607392, 19035361). In two of the families, this variant is present in 13 individuals, including eight with HCM (PMID: 15607392). It has also been reported as a VUS by a clinical testing laboratory in an individual with HCM, however no further information was provided (ClinVar). (SP) 1208 - Inheritance information for this variant is not currently available in this individual. (I) Legend: (SP) - Supporting pathogenic, (I) - Information, (SB) - Supporting benign

GeneDx
Classification: Likely pathogenic. Last evaluated: 2018-03-21. Review status: criteria provided, single submitter. Criteria: GeneDx Variant Classification (06012015). Collection method: clinical testing. Allele origin: germline. Affected: yes.
Comment: The S199N variant has been reported in multiple individuals with a diagnosis of HCM and was absent in at least 350 control chromosomes (Mogensen et al., 2004; Brito et al. 2005; Andersen et al. 2009; Brito et al., 2012). Mogensen et al. (2004) reported S199N in two unrelated families and this variant was found to segregate with disease in six family members, including two obligate carriers. The S199N variant was not observed in approximately 6100 individuals of European and African American ancestry in the NHLBI Exome Sequencing Project, indicating it is not a common benign variant in these populations. Additionally, the S199 residue was shown to be hyperphosphorylated in a canine heart failure model, and variants in the same residue (S199G) and in nearby residues (A197G, L198V, L198P, M201T, E202G, G203S, G203R) have been reported in HGMD in association with HCM (Zhang et al., 2012; Stenson et al., 2014), further supporting the functional importance of this residue and this region of the protein. Moreover, this substitution occurs at a position that is conserved across species, and in silico analysis predicts this variant is probably damaging to the protein structure/function. Nevertheless, S199N is a conservative amino acid substitution, which is not likely to impact secondary protein structure as these residues share similar properties. Therefore, this variant is likely pathogenic; however, the possibility that it is benign cannot be excluded.

Laboratory of Genetics and Molecular Cardiology, University of São Paulo
Classification: Uncertain significance for Hypertrophic cardiomyopathy 7. Review status: flagged submission. Criteria: LGCM Criteria August 2015. Collection method: clinical testing. Allele origin: germline. Affected: yes. Observed: 1 variant allele. Study: Sarcomeric Human Cardiomyopathy Registry (ShaRe). Not counted in ClinVar's aggregate classification.
ClinVar note: Reason: Older and outlier claim with insufficient supporting evidence

Literature cited by the submitters: PubMed 15607392 (cited by 4 submitters); PubMed 16335287 (cited by Labcorp Genetics (formerly Invitae), Labcorp and Ambry Genetics); PubMed 19035361 (cited by 3 submitters); PubMed 27532257 (cited by Labcorp Genetics (formerly Invitae), Labcorp and Ambry Genetics); PubMed 22857948 (cited by Ambry Genetics and Victorian Clinical Genetics Services, Murdoch Childrens Research Institute); PubMed 28193612 (cited by Ambry Genetics); PubMed 31983221 (cited by Ambry Genetics); PubMed 15070570 (cited by Victorian Clinical Genetics Services, Murdoch Childrens Research Institute); PubMed 19914256 (cited by Victorian Clinical Genetics Services, Murdoch Childrens Research Institute); PubMed 21533915 (cited by Victorian Clinical Genetics Services, Murdoch Childrens Research Institute); PubMed 23270746 (cited by Victorian Clinical Genetics Services, Murdoch Childrens Research Institute); PubMed 28356264 (cited by Victorian Clinical Genetics Services, Murdoch Childrens Research Institute); PubMed 30696458 (cited by Victorian Clinical Genetics Services, Murdoch Childrens Research Institute); PubMed 32731933 (cited by Victorian Clinical Genetics Services, Murdoch Childrens Research Institute).